The following is an entry in ClinVar:

NM_004836.7(EIF2AK3):c.2341G>C (p.Glu781Gln)

Genes: EIF2AK3 (eukaryotic translation initiation factor 2 alpha kinase 3; minus strand), EIF2AK3-AS1 (EIF2AK3 antisense RNA 1; plus strand). Cytogenetic location: 2p11.2.
Variant type: single nucleotide variant.
Coding change: c.2341G>C on transcript NM_004836.7 (MANE Select); coding-DNA position 2341, G replaced by C.
Protein change: p.Glu781Gln; replaces glutamic acid 781 with glutamine.
Molecular consequence: missense variant. On other transcripts: non-coding transcript variant (1).
Genome position (GRCh38, 1-based): chr2:88,575,142, C>G on the plus strand (G>C on the coding strand, the complement: EIF2AK3 is on the minus strand). VCF-style: chr2-88575142-C-G. GRCh37 (hg19) VCF-style: chr2-88874660-C-G.
Other names: c.1888G>C, p.Glu630Gln (NM_001313915.2); short protein forms E630Q, E781Q.
Identifiers: ClinVar variation 1465259 (VCV001465259.5), dbSNP rs1674422430, ClinGen allele CA347591835.

ClinVar aggregate classification (germline): Uncertain significance (1 of 4 stars; one submission).

Allele frequency attached by ClinVar (database versions not stated): gnomAD exomes below 0.00001.
gnomAD v4.1: 2 of 1,614,138 alleles (0.00012%); highest among the groups gnomAD compares: Non-Finnish European, 0.000085%; no homozygotes.

Submission:

Labcorp Genetics (formerly Invitae), Labcorp
Classification: Uncertain significance. Last evaluated: 2022-06-04. Review status: criteria provided, single submitter. Criteria: Invitae Variant Classification Sherloc (09022015). Collection method: clinical testing. Allele origin: germline.
Comment: This sequence change replaces glutamic acid, which is acidic and polar, with glutamine, which is neutral and polar, at codon 781 of the EIF2AK3 protein (p.Glu781Gln). This variant is not present in population databases (gnomAD no frequency). This variant has not been reported in the literature in individuals affected with EIF2AK3-related conditions. ClinVar contains an entry for this variant (Variation ID: 1465259). Algorithms developed to predict the effect of missense changes on protein structure and function (SIFT, PolyPhen-2, Align-GVGD) all suggest that this variant is likely to be tolerated. In summary, the available evidence is currently insufficient to determine the role of this variant in disease. Therefore, it has been classified as a Variant of Uncertain Significance.